The following is an entry in ClinVar:

NM_001164508.2(NEB):c.13268T>A (p.Leu4423Ter)

Gene: NEB (nebulin; minus strand). Cytogenetic location: 2q23.3.
Variant type: single nucleotide variant.
Coding change: c.13268T>A on transcript NM_001164508.2 (MANE Select); coding-DNA position 13268, T replaced by A.
Protein change: p.Leu4423Ter; replaces leucine 4423 with a stop codon.
Molecular consequence: nonsense. On other transcripts: intron variant (1).
Genome position (GRCh38, 1-based): chr2:151,602,687, A>T on the plus strand (T>A on the coding strand, the complement: NEB is on the minus strand). VCF-style: chr2-151602687-A-T. GRCh37 (hg19) VCF-style: chr2-152459201-A-T.
Other names: c.13268T>A, p.Leu4423Ter (NM_001164507.2, NM_001271208.2); c.11601+7122T>A (NM_004543.5); short protein forms L4423*.
Identifiers: ClinVar variation 2126880 (VCV002126880.4), dbSNP rs2552220991, ClinGen allele CA348771731.

ClinVar aggregate classification (germline): Pathogenic (1 of 4 stars; one submission).

Conditions:
Nemaline myopathy 2 (NEM2). Also called: Nemaline myopathy 2, autosomal recessive. Identifiers: MedGen C1850569, MONDO:0009725, OMIM 256030.

Submission:

Labcorp Genetics (formerly Invitae), Labcorp
Classification: Pathogenic for Nemaline myopathy 2. Last evaluated: 2022-04-16. Review status: criteria provided, single submitter. Criteria: Invitae Variant Classification Sherloc (09022015). Collection method: clinical testing. Allele origin: germline.
Comment: For these reasons, this variant has been classified as Pathogenic. This variant has not been reported in the literature in individuals affected with NEB-related conditions. The frequency data for this variant in the population databases (gnomAD) is considered unreliable due to the presence of homologous sequence, such as pseudogenes or paralogs, in the genome. This sequence change creates a premature translational stop signal (p.Leu4423*) in the NEB gene. It is expected to result in an absent or disrupted protein product. Loss-of-function variants in NEB are known to be pathogenic (PMID: 25205138). This variant occurs in a region of NEB (Exons 82-105) consisting of three highly homologous 8-exon repeat units (exons 82-89, exons 90-97, exons 98-105). Sequence variants in this region can be detected, but this assay cannot determine which of the three repeat units is affected, and zygosity is often ambiguous. All variants in this region are reported relative to the exon 82-89 repeat.

Literature cited by the submitters: PubMed 25205138.